The following is an entry in ClinVar:

ClinVar aggregate classification (germline): Pathogenic (1 of 4 stars; one submission).

Conditions:
KBG syndrome (KBGS). Also called: ANKRD11-Related KBG Syndrome. Identifiers: Orphanet 2332, MedGen C0220687, MONDO:0007846, OMIM 148050.

Submission:

Baylor Genetics
Classification: Pathogenic for KBG syndrome. Last evaluated: 2017-09-01. Review status: criteria provided, single submitter. Criteria: ACMG Guidelines, 2015. Collection method: clinical testing. Allele origin: de novo. Inheritance: Autosomal dominant inheritance. Affected: yes.
Comment: This frameshift mutation is categorized as deleterious according to ACMG guidelines (PMID:18414213).

Literature cited by the submitters: PubMed 25326635.

NM_013275.6(ANKRD11):c.3770_3773del (p.Lys1257fs)

Gene: ANKRD11 (ankyrin repeat domain 11; minus strand). Cytogenetic location: 16q24.3.
Variant type: Deletion.
Coding change: c.3770_3773del on transcript NM_013275.6 (MANE Select); coding-DNA positions 3770 to 3773, 4 bases deleted (AAGA; older notation c.3770_3773delAAGA).
Protein change: p.Lys1257fs; shifts the reading frame from lysine 1257.
Molecular consequence: frameshift variant.
Genome position (GRCh38, 1-based): chr16:89,282,769-89,282,772, TCTT deleted on the plus strand (AAGA on the coding strand, the reverse complement: ANKRD11 is on the minus strand); deleting any 4 consecutive bases within chr16:89,282,769-89,282,773 gives the same sequence; the c. name uses the placement nearest the transcript's 3' end. VCF-style (leftmost placement, unchanged base first): chr16-89282768-CTCTT-C. GRCh37 (hg19) VCF-style: chr16-89349176-CTCTT-C.
Other names: c.3770_3773del, p.Lys1257fs (NM_001256182.2, NM_001256183.2); short protein forms K1257fs.
Identifiers: ClinVar variation 560941 (VCV000560941.2), dbSNP rs1567571990, ClinGen allele CA658790755.
Genomic context (GRCh38, chr16:89,282,768, plus strand): 5'-TTTTTCCGCGTCGGCACTTCTCGAGGACTTCCTCTCCTTGGAATGTTCTTTGTCCGACTT[CTCTT>C]TGTGTTTGCTTTTAGCCTTGTCTTCGGCAGCGTGCTTCTTTTCAGCCTTCTCGGGGAGCT-3'